The following is an entry in ClinVar:

NM_004304.5(ALK):c.415A>C (p.Lys139Gln)

Gene: ALK (ALK receptor tyrosine kinase; minus strand). Cytogenetic location: 2p23.1.
Variant type: single nucleotide variant.
Coding change: c.415A>C on transcript NM_004304.5 (MANE Select); coding-DNA position 415, A replaced by C.
Protein change: p.Lys139Gln; replaces lysine 139 with glutamine.
Molecular consequence: missense variant.
Genome position (GRCh38, 1-based): chr2:29,920,245, T>G on the plus strand (A>C on the coding strand, the complement: ALK is on the minus strand). VCF-style: chr2-29920245-T-G. GRCh37 (hg19) VCF-style: chr2-30143111-T-G.
Other names: short protein forms K139Q.
Identifiers: ClinVar variation 3653750 (VCV003653750.2).
Genomic context (GRCh38, chr2:29,920,245, plus strand): 5'-CGGGGGGCCCGACGCAACCCTCCAAGATCGCCTCCTCGCCCAGCTCCAGCACCAACTGCT[T>G]GGCACGCCGGAGCTTGCGCACGGAGCCGCCCTTCAGCACCCTGGACAGCGTCCGGGCCTC-3'
Protein context (NP_004295.2, residues 129-149): GGSVRKLRRA[Lys139Gln]QLVLELGEEA

ClinVar aggregate classification (germline): Uncertain significance (1 of 4 stars; one submission).

Conditions:
Neuroblastoma, susceptibility to, 3. Also called: ALK-Related Neuroblastic Tumor Susceptibility. Identifiers: Orphanet 635, MedGen C2751681, MONDO:0013083, OMIM 613014.

Submission:

Labcorp Genetics (formerly Invitae), Labcorp
Classification: Uncertain significance for Neuroblastoma, susceptibility to, 3. Last evaluated: 2024-05-18. Review status: criteria provided, single submitter. Criteria: Invitae Variant Classification Sherloc (09022015). Collection method: clinical testing. Allele origin: germline.
Comment: This sequence change replaces lysine, which is basic and polar, with glutamine, which is neutral and polar, at codon 139 of the ALK protein (p.Lys139Gln). This variant is not present in population databases (gnomAD no frequency). This variant has not been reported in the literature in individuals affected with ALK-related conditions. An algorithm developed to predict the effect of missense changes on protein structure and function (PolyPhen-2) suggests that this variant is likely to be disruptive. In summary, the available evidence is currently insufficient to determine the role of this variant in disease. Therefore, it has been classified as a Variant of Uncertain Significance.